The following is an entry in ClinVar:

NM_025137.4(SPG11):c.5818C>T (p.Leu1940=)

Gene: SPG11 (SPG11 vesicle trafficking associated, spatacsin; minus strand). Cytogenetic location: 15q21.1.
Variant type: single nucleotide variant.
Coding change: c.5818C>T on transcript NM_025137.4 (MANE Select); coding-DNA position 5818, C replaced by T.
Protein change: p.Leu1940=; no amino-acid change (leucine 1940 retained).
Molecular consequence: synonymous variant.
Genome position (GRCh38, 1-based): chr15:44,583,862, G>A on the plus strand (C>T on the coding strand, the complement: SPG11 is on the minus strand). VCF-style: chr15-44583862-G-A. GRCh37 (hg19) VCF-style: chr15-44876060-G-A.
Other names: c.5818C>T, p.Leu1940= (NM_001160227.2); c.5818C>T (NM_025137.3).
Identifiers: ClinVar variation 1616989 (VCV001616989.9), dbSNP rs745716037, ClinGen allele CA7534343.

ClinVar aggregate classification (germline): Likely benign. Review status: criteria provided, multiple submitters, no conflicts (2 of 4 stars). 2 submissions from 2 submitters: Likely benign (2). Last evaluated 2025-05-23.

Conditions:
SPG11-related disorder. Also called: SPG11-related condition.
Hereditary spastic paraplegia 11. Also called: SPASTIC PARAPLEGIA, AUTOSOMAL RECESSIVE, COMPLICATED, WITH THIN CORPUS CALLOSUM; SPASTIC PARAPLEGIA, AUTOSOMAL RECESSIVE, WITH MENTAL IMPAIRMENT AND THIN CORPUS CALLOSUM; Nakamura Osame syndrome; Autosomal recessive hereditary spastic paraplegia, mental impairment, and thin corpus callosum; Spastic Paraplegia 11; Spastic paraplegia, mental retardation and thin corpus callosum. Identifiers: Orphanet 2822, MedGen C1858479, MONDO:0011445, OMIM 604360.

Allele frequency attached by ClinVar (database versions not stated): gnomAD exomes below 0.00001 and 0.00002; gnomAD 0.00001; TOPMed 0.00001; ExAC 0.00002.
gnomAD v4.1: 9 of 1,614,082 alleles (0.00056%); highest among the groups gnomAD compares: Middle Eastern, 0.016%; no homozygotes.

Submissions (2):

PreventionGenetics, part of Exact Sciences
Classification: Likely benign for SPG11-related condition. Last evaluated: 2025-05-23. Review status: criteria provided, single submitter. Criteria: ACMG Guidelines, 2015. Collection method: clinical testing. Allele origin: germline.
Comment: This variant is classified as likely benign based on ACMG/AMP sequence variant interpretation guidelines (Richards et al. 2015 PMID: 25741868, with internal and published modifications).

Labcorp Genetics (formerly Invitae), Labcorp
Classification: Likely benign for Hereditary spastic paraplegia 11. Last evaluated: 2025-05-15. Review status: criteria provided, single submitter. Criteria: Invitae Variant Classification Sherloc (09022015). Collection method: clinical testing. Allele origin: germline.